The following is an entry in ClinVar:

ClinVar aggregate classification (germline): Benign (1 of 4 stars; one submission).

Conditions:
Macular corneal dystrophy (MCD). Also called: GROENOUW TYPE II CORNEAL DYSTROPHY; Macular corneal dystrophy Type I. Identifiers: Orphanet 98969, MedGen C1636149, MONDO:0009020, OMIM 217800.

Allele frequency attached by ClinVar (database versions not stated): gnomAD 0.01617 and 0.01725; TOPMed 0.01832; 1000 Genomes Project 0.02196; 1000 Genomes Project 30x 0.02342.

Submission:

Illumina Laboratory Services, Illumina
Classification: Benign for Macular corneal dystrophy. Last evaluated: 2018-01-12. Review status: criteria provided, single submitter. Criteria: ICSL Variant Classification Criteria 13 December 2019. Collection method: clinical testing. Allele origin: germline.
Comment: This variant was observed in the ICSL laboratory as part of a predisposition screen in an ostensibly healthy population. It had not been previously curated by ICSL or reported in the Human Gene Mutation Database (HGMD: prior to June 1st, 2018), and was therefore a candidate for classification through an automated scoring system. Utilizing variant allele frequency, disease prevalence and penetrance estimates, and inheritance mode, an automated score was calculated to assess if this variant is too frequent to cause the disease. Based on the score and internal cut-off values, a variant classified as benign is not then subjected to further curation. The score for this variant resulted in a classification of benign for this disease.

NM_021615.5(CHST6):c.*1426C>A

Gene: CHST6 (carbohydrate sulfotransferase 6; minus strand). Cytogenetic location: 16q23.1.
Variant type: single nucleotide variant.
Coding change: c.*1426C>A on transcript NM_021615.5 (MANE Select); 1426 bases downstream of the stop codon, C replaced by A.
Molecular consequence: 3 prime UTR variant.
Genome position (GRCh38, 1-based): chr16:75,477,215, G>T on the plus strand (C>A on the coding strand, the complement: CHST6 is on the minus strand). VCF-style: chr16-75477215-G-T. GRCh37 (hg19) VCF-style: chr16-75511113-G-T.
Identifiers: ClinVar variation 320570 (VCV000320570.5), dbSNP rs11861434, ClinGen allele CA10644289.